The following is an entry in ClinVar:

ClinVar aggregate classification (germline): Uncertain significance (1 of 4 stars; one submission).

Conditions:
Hereditary cancer-predisposing syndrome. Also called: Neoplastic Syndromes, Hereditary; Tumor predisposition; Hereditary neoplastic syndrome; Hereditary Cancer Syndrome. Identifiers: Orphanet 140162, MedGen C0027672, MeSH D009386, MONDO:0015356.

Submission:

Ambry Genetics
Classification: Uncertain significance for Hereditary cancer-predisposing syndrome. Last evaluated: 2024-04-27. Review status: criteria provided, single submitter. Criteria: Ambry Variant Classification Scheme 2023. Collection method: clinical testing. Allele origin: germline.
Comment: The p.E671D variant (also known as c.2013A>T), located in coding exon 13 of the SMARCA4 gene, results from an A to T substitution at nucleotide position 2013. The glutamic acid at codon 671 is replaced by aspartic acid, an amino acid with highly similar properties. This amino acid position is conserved. In addition, this alteration is predicted to be tolerated by in silico analysis. Based on the available evidence, the clinical significance of this variant remains unclear.

NM_003072.5(SMARCA4):c.2013A>T (p.Glu671Asp)

Gene: SMARCA4 (SWI/SNF related BAF chromatin remodeling complex subunit ATPase 4; plus strand). Cytogenetic location: 19p13.2.
Variant type: single nucleotide variant.
Coding change: c.2013A>T on transcript NM_003072.5 (MANE Select); coding-DNA position 2013, A replaced by T.
Protein change: p.Glu671Asp; replaces glutamic acid 671 with aspartic acid.
Molecular consequence: missense variant. On other transcripts: non-coding transcript variant (1).
Genome position (GRCh38, 1-based): chr19:11,007,913, A>T. VCF-style: chr19-11007913-A-T. GRCh37 (hg19) VCF-style: chr19-11118589-A-T.
Other names: c.2013A>T, p.Glu671Asp (NM_001128844.3, NM_001128845.2, NM_001128846.2 and 6 more transcripts); short protein forms E671D.
Identifiers: ClinVar variation 3320732 (VCV003320732.1).